The following is an entry in ClinVar:

ClinVar aggregate classification (germline): Uncertain significance (1 of 4 stars; one submission).

Conditions:
Saldino-Mainzer syndrome (SRTD9). Also called: Renal dysplasia, retinal pigmentary dystrophy, cerebellar ataxia and skeletal dysplasia; CONORENAL SYNDROME; SHORT-RIB THORACIC DYSPLASIA 9 WITHOUT POLYDACTYLY; short-rib thoracic dysplasia 9 with or without polydactyly. Identifiers: Orphanet 140969, MedGen C1849437, MONDO:0009964, OMIM 266920.

Allele frequency attached by ClinVar (database versions not stated): gnomAD exomes below 0.00001; ExAC 0.00001; gnomAD 0.00001; TOPMed 0.00001.
gnomAD v4.1: 5 of 1,605,762 alleles (0.00031%); highest among the groups gnomAD compares: Non-Finnish European, 0.00043%; no homozygotes.

Submission:

Labcorp Genetics (formerly Invitae), Labcorp
Classification: Uncertain significance for Saldino-Mainzer syndrome. Last evaluated: 2021-12-14. Review status: criteria provided, single submitter. Criteria: Invitae Variant Classification Sherloc (09022015). Collection method: clinical testing. Allele origin: germline.
Comment: In summary, the available evidence is currently insufficient to determine the role of this variant in disease. Therefore, it has been classified as a Variant of Uncertain Significance. This sequence change replaces threonine, which is neutral and polar, with alanine, which is neutral and non-polar, at codon 1434 of the IFT140 protein (p.Thr1434Ala). This variant is not present in population databases (gnomAD no frequency). This variant has not been reported in the literature in individuals affected with IFT140-related conditions. Algorithms developed to predict the effect of missense changes on protein structure and function output the following: SIFT: "Tolerated"; PolyPhen-2: "Benign"; Align-GVGD: "Class C0". The alanine amino acid residue is found in multiple mammalian species, which suggests that this missense change does not adversely affect protein function.

NM_014714.4(IFT140):c.4300A>G (p.Thr1434Ala)

Gene: IFT140 (intraflagellar transport 140; minus strand). Cytogenetic location: 16p13.3.
Variant type: single nucleotide variant.
Coding change: c.4300A>G on transcript NM_014714.4 (MANE Select); coding-DNA position 4300, A replaced by G.
Protein change: p.Thr1434Ala; replaces threonine 1434 with alanine.
Molecular consequence: missense variant.
Genome position (GRCh38, 1-based): chr16:1,511,033, T>C on the plus strand (A>G on the coding strand, the complement: IFT140 is on the minus strand). VCF-style: chr16-1511033-T-C. GRCh37 (hg19) VCF-style: chr16-1561034-T-C.
Other names: short protein forms T1434A.
Identifiers: ClinVar variation 1510016 (VCV001510016.6), dbSNP rs761959670, ClinGen allele CA7812793.